The following is an entry in ClinVar:

NM_000264.5(PTCH1):c.1762G>A (p.Val588Ile)

Genes: PTCH1 (patched 1; minus strand), LOC100507346 (uncharacterized LOC100507346; plus strand). Cytogenetic location: 9q22.32.
Variant type: single nucleotide variant.
Coding change: c.1762G>A on transcript NM_000264.5 (MANE Select); coding-DNA position 1762, G replaced by A.
Protein change: p.Val588Ile; replaces valine 588 with isoleucine.
Molecular consequence: missense variant. On other transcripts: non-coding transcript variant (2).
Genome position (GRCh38, 1-based): chr9:95,469,898, C>T on the plus strand (G>A on the coding strand, the complement: PTCH1 is on the minus strand). VCF-style: chr9-95469898-C-T. GRCh37 (hg19) VCF-style: chr9-98232180-C-T.
Other names: c.1564G>A, p.Val522Ile (NM_001083602.3); c.1759G>A, p.Val587Ile (NM_001083603.3); c.1309G>A, p.Val437Ile (NM_001083604.3, NM_001083605.3, NM_001083606.3 and 1 more transcripts); c.1606G>A, p.Val536Ile (NM_001354918.2); short protein forms V437I, V536I, V587I, V588I, V522I.
Identifiers: ClinVar variation 1040416 (VCV001040416.9), dbSNP rs1472804824, ClinGen allele CA374116406.

ClinVar aggregate classification (germline): Uncertain significance (1 of 4 stars; one submission).

Conditions:
Gorlin syndrome. Also called: Nevoid Basal Cell Carcinoma Syndrome; Basal cell nevus syndrome. Identifiers: Orphanet 377, MedGen C0004779, MONDO:0007187.

Allele frequency attached by ClinVar (database versions not stated): TOPMed below 0.00001; gnomAD 0.00001.
gnomAD v4.1: 1 of 1,613,982 alleles (0.000062%); highest among the groups gnomAD compares: Non-Finnish European, 0.000085%; no homozygotes.

Submission:

Labcorp Genetics (formerly Invitae), Labcorp
Classification: Uncertain significance for Gorlin syndrome. Last evaluated: 2024-06-10. Review status: criteria provided, single submitter. Criteria: Invitae Variant Classification Sherloc (09022015). Collection method: clinical testing. Allele origin: germline.
Comment: This sequence change replaces valine, which is neutral and non-polar, with isoleucine, which is neutral and non-polar, at codon 588 of the PTCH1 protein (p.Val588Ile). This variant is not present in population databases (gnomAD no frequency). This variant has not been reported in the literature in individuals affected with PTCH1-related conditions. ClinVar contains an entry for this variant (Variation ID: 1040416). Advanced modeling of protein sequence and biophysical properties (such as structural, functional, and spatial information, amino acid conservation, physicochemical variation, residue mobility, and thermodynamic stability) performed at Invitae indicates that this missense variant is not expected to disrupt PTCH1 protein function with a negative predictive value of 95%. In summary, the available evidence is currently insufficient to determine the role of this variant in disease. Therefore, it has been classified as a Variant of Uncertain Significance.